The following is an entry in ClinVar:

ClinVar aggregate classification (germline): Benign/Likely benign. Review status: criteria provided, multiple submitters, no conflicts (2 of 4 stars). 6 submissions from 6 submitters: Benign (4); Likely benign (1). 1 of the submissions does not count toward it. Last evaluated 2026-02-03.

Conditions:
Developmental and epileptic encephalopathy, 18 (DEE18). Also called: Early infantile epileptic encephalopathy 18. Identifiers: Orphanet 369894, MedGen C3809624, MONDO:0014201, OMIM 615476.
SZT2-related disorder. Also called: SZT2-related condition.
Inborn genetic diseases. Identifiers: MedGen C0950123, MeSH D030342.

Allele frequency attached by ClinVar (database versions not stated): gnomAD 0.00086 and 0.00131; gnomAD exomes 0.00115 and 0.00318; TOPMed 0.00136; ExAC 0.00324; 1000 Genomes Project 30x 0.00593; 1000 Genomes Project 0.00619.
gnomAD v4.1: 2,075 of 1,613,066 alleles (0.13%); highest among the groups gnomAD compares: East Asian, 2.1%; 33 homozygotes.

Submissions (8):

Labcorp Genetics (formerly Invitae), Labcorp
Classification: Benign. Last evaluated: 2026-02-03. Review status: criteria provided, single submitter. Criteria: Invitae Variant Classification Sherloc (09022015). Collection method: clinical testing. Allele origin: germline.

Genome-Nilou Lab
Classification: Benign for Developmental and epileptic encephalopathy, 18. Last evaluated: 2023-04-11. Review status: criteria provided, single submitter. Criteria: ACMG Guidelines, 2015. Collection method: clinical testing. Allele origin: germline. Affected: no.

Mayo Clinic Laboratories, Mayo Clinic
Classification: Benign. Last evaluated: 2022-04-25. Review status: criteria provided, single submitter. Criteria: ACMG Guidelines, 2015. Collection method: clinical testing. Allele origin: germline. Observed: 2 variant alleles.
Comment: BS1, BS2, BP4, BP7

GeneDx
Classification: Likely benign. Last evaluated: 2021-01-20. Review status: criteria provided, single submitter. Criteria: GeneDx Variant Classification Process June 2021. Collection method: clinical testing. Allele origin: germline. Affected: yes.

Ambry Genetics
Classification: Benign for Inborn genetic diseases. Last evaluated: 2018-06-12. Review status: criteria provided, single submitter. Criteria: Ambry Variant Classification Scheme 2023. Collection method: clinical testing. Allele origin: germline.

PreventionGenetics, part of Exact Sciences
Classification: Benign for SZT2-related condition. Last evaluated: 2019-08-09. Review status: no assertion criteria provided. Collection method: clinical testing. Allele origin: germline. Not counted in ClinVar's aggregate classification.
Comment: This variant is classified as benign based on ACMG/AMP sequence variant interpretation guidelines (Richards et al. 2015 PMID: 25741868, with internal and published modifications).

Dr. Peter K. Rogan Lab, Western University
No classification provided (evidence only). Condition: Gastric cancer. Review status: no classification provided. Collection method: in vitro. Allele origin: not applicable. Functional consequence: retained intron. Not counted in ClinVar's aggregate classification.

Dr. Peter K. Rogan Lab, Western University
No classification provided (evidence only). Condition: Familial pancreatic carcinoma. Review status: no classification provided. Collection method: in vitro. Allele origin: not applicable. Functional consequence: retained intron. Not counted in ClinVar's aggregate classification.

NM_001365999.1(SZT2):c.7512-3C>T

Gene: SZT2 (SZT2 subunit of KICSTOR complex; plus strand). Cytogenetic location: 1p34.2.
Variant type: single nucleotide variant.
Coding change: c.7512-3C>T on transcript NM_001365999.1 (MANE Select); 3 bases into the intron before coding-DNA position 7512, C replaced by T.
Molecular consequence: intron variant.
Genome position (GRCh38, 1-based): chr1:43,441,501, C>T. VCF-style: chr1-43441501-C-T. GRCh37 (hg19) VCF-style: chr1-43907172-C-T.
Other names: p.?; c.7341-3C>T (NM_015284.4).
Identifiers: ClinVar variation 416968 (VCV000416968.22), dbSNP rs117106532, ClinGen allele CA810251.